The following is an entry in ClinVar:

NM_019066.5(MAGEL2):c.2911G>A (p.Glu971Lys)

Gene: MAGEL2 (MAGE family member L2; minus strand). Cytogenetic location: 15q11.2.
Variant type: single nucleotide variant.
Coding change: c.2911G>A on transcript NM_019066.5 (MANE Select); coding-DNA position 2911, G replaced by A.
Protein change: p.Glu971Lys; replaces glutamic acid 971 with lysine.
Molecular consequence: missense variant.
Genome position (GRCh38, 1-based): chr15:23,644,832, C>T on the plus strand (G>A on the coding strand, the complement: MAGEL2 is on the minus strand). VCF-style: chr15-23644832-C-T. GRCh37 (hg19) VCF-style: chr15-23889979-C-T.
Other names: short protein forms E971K.
Identifiers: ClinVar variation 4998280 (VCV004998280.1).

ClinVar aggregate classification (germline): Uncertain significance (1 of 4 stars; one submission).

Conditions:
MAGEL2-related disorder. Also called: MAGEL2-related condition.

Submission:

PreventionGenetics, part of Exact Sciences
Classification: Uncertain significance for MAGEL2-related condition. Last evaluated: 2025-07-07. Review status: criteria provided, single submitter. Criteria: ACMG Guidelines, 2015. Collection method: clinical testing. Allele origin: germline.
Comment: The MAGEL2 c.2911G>A variant is predicted to result in the amino acid substitution p.Glu971Lys. To our knowledge, this variant has not been reported in the literature or in a large population database (gnomAD), indicating this variant is rare. At this time, the clinical significance of this variant is uncertain due to the absence of conclusive functional and genetic evidence.